The following is an entry in ClinVar:

NM_031220.4(PITPNM3):c.2093C>T (p.Thr698Ile)

Gene: PITPNM3 (PITPNM family member 3; minus strand). Cytogenetic location: 17p13.2.
Variant type: single nucleotide variant.
Coding change: c.2093C>T on transcript NM_031220.4 (MANE Select); coding-DNA position 2093, C replaced by T.
Protein change: p.Thr698Ile; replaces threonine 698 with isoleucine.
Molecular consequence: missense variant.
Genome position (GRCh38, 1-based): chr17:6,464,233, G>A on the plus strand (C>T on the coding strand, the complement: PITPNM3 is on the minus strand). VCF-style: chr17-6464233-G-A. GRCh37 (hg19) VCF-style: chr17-6367553-G-A.
Other names: c.1985C>T, p.Thr662Ile (NM_001165966.2); c.2093C>T (NM_031220.3); short protein forms T662I, T698I.
Identifiers: ClinVar variation 1019519 (VCV001019519.10), dbSNP rs375794400, ClinGen allele CA8329283.
Genomic context (GRCh38, chr17:6,464,233, plus strand): 5'-ACGACCATCTTCACAGGATAGACACCAACCCCCAGGCGCCGGGGCCGCGGCACATTGTAT[G>A]TGATGCGACCACTGCTGTTGGTGATCTCTGTGTCCAGGTGTACCCAGCGGCCTGAGGATG-3'
Protein context (NP_112497.2, residues 688-708): TEITNSSGRI[Thr698Ile]YNVPRPRRLG

ClinVar aggregate classification (germline): Conflicting classifications of pathogenicity. Review status: criteria provided, conflicting classifications (1 of 4 stars). 3 submissions from 3 submitters: Uncertain significance (2); Likely benign (1). Last evaluated 2025-08-25.

Allele frequency attached by ClinVar (database versions not stated): gnomAD 0.00001; ExAC 0.00002; gnomAD exomes 0.00002 and 0.00004; TOPMed 0.00002; ESP Exome Variant Server 0.00008.
gnomAD v4.1: 61 of 1,614,068 alleles (0.0038%); highest among the groups gnomAD compares: East Asian, 0.033%; no homozygotes.

Submissions (3):

Ambry Genetics
Classification: Uncertain significance. Last evaluated: 2025-08-25. Review status: criteria provided, single submitter. Criteria: Ambry Variant Classification Scheme 2023. Collection method: clinical testing. Allele origin: germline.

Labcorp Genetics (formerly Invitae), Labcorp
Classification: Uncertain significance. Last evaluated: 2024-11-10. Review status: criteria provided, single submitter. Criteria: Invitae Variant Classification Sherloc (09022015). Collection method: clinical testing. Allele origin: germline.
Comment: This sequence change replaces threonine, which is neutral and polar, with isoleucine, which is neutral and non-polar, at codon 698 of the PITPNM3 protein (p.Thr698Ile). This variant is present in population databases (rs375794400, gnomAD 0.007%). This variant has not been reported in the literature in individuals affected with PITPNM3-related conditions. ClinVar contains an entry for this variant (Variation ID: 1019519). Invitae Evidence Modeling of protein sequence and biophysical properties (such as structural, functional, and spatial information, amino acid conservation, physicochemical variation, residue mobility, and thermodynamic stability) indicates that this missense variant is not expected to disrupt PITPNM3 protein function with a negative predictive value of 80%. In summary, the available evidence is currently insufficient to determine the role of this variant in disease. Therefore, it has been classified as a Variant of Uncertain Significance.

Blueprint Genetics
Classification: Likely benign. Last evaluated: 2022-12-02. Review status: criteria provided, single submitter. Criteria: ACMG Guidelines, 2015. Collection method: clinical testing. Allele origin: germline.